The following is an entry in ClinVar:

ClinVar aggregate classification (germline): Uncertain significance. Review status: criteria provided, multiple submitters, no conflicts (2 of 4 stars). 2 submissions from 2 submitters: Uncertain significance (2). Last evaluated 2026-07-30.

Conditions:
Pheochromocytoma/paraganglioma syndrome 3. Also called: SDHC-Related Hereditary Paraganglioma-Pheochromocytoma Syndrome (Paragangliomas 3); GLOMUS TUMORS, FAMILIAL, 3; SDHC-Related Hereditary Paraganglioma-Pheochromocytoma Syndrome; Paragangliomas 3. Identifiers: Orphanet 29072, MedGen C1854336, MONDO:0011544, OMIM 605373.
Gastrointestinal stromal tumor. Also called: Gastrointestinal stromal tumor, somatic; Gastrointestinal stroma tumor. Identifiers: Orphanet 44890, MedGen C0238198, MeSH D046152, MONDO:0011719, OMIM 606764, HP:0100723.
Hereditary cancer-predisposing syndrome. Also called: Neoplastic Syndromes, Hereditary; Hereditary Cancer Syndrome; Hereditary neoplastic syndrome; Tumor predisposition. Identifiers: Orphanet 140162, MedGen C0027672, MeSH D009386, MONDO:0015356.

Submissions (2):

Ambry Genetics
Classification: Uncertain significance for Hereditary cancer-predisposing syndrome. Last evaluated: 2026-07-30. Review status: criteria provided, single submitter. Criteria: Ambry Variant Classification Scheme 2023. Collection method: clinical testing. Allele origin: germline.
Comment: The p.P123L variant (also known as c.368C>T), located in coding exon 5 of the SDHC gene, results from a C to T substitution at nucleotide position 368. The proline at codon 123 is replaced by leucine, an amino acid with similar properties. This amino acid position is highly conserved in available vertebrate species. In addition, this alteration is predicted to be deleterious by in silico analysis. Based on the available evidence, the clinical significance of this variant remains unclear.

Labcorp Genetics (formerly Invitae), Labcorp
Classification: Uncertain significance for Pheochromocytoma/paraganglioma syndrome 3; Gastrointestinal stromal tumor. Last evaluated: 2021-03-29. Review status: criteria provided, single submitter. Criteria: Invitae Variant Classification Sherloc (09022015). Collection method: clinical testing. Allele origin: germline.
Comment: In summary, the available evidence is currently insufficient to determine the role of this variant in disease. Therefore, it has been classified as a Variant of Uncertain Significance. Algorithms developed to predict the effect of missense changes on protein structure and function are either unavailable or do not agree on the potential impact of this missense change (SIFT: "Deleterious"; PolyPhen-2: "Possibly Damaging"; Align-GVGD: "Class C0"). This variant has not been reported in the literature in individuals with SDHC-related disease. This variant is not present in population databases (ExAC no frequency). This sequence change replaces proline with leucine at codon 123 of the SDHC protein (p.Pro123Leu). The proline residue is highly conserved and there is a moderate physicochemical difference between proline and leucine.

NM_003001.5(SDHC):c.368C>T (p.Pro123Leu)

Gene: SDHC (succinate dehydrogenase complex subunit C; plus strand). Cytogenetic location: 1q23.3.
Variant type: single nucleotide variant.
Coding change: c.368C>T on transcript NM_003001.5 (MANE Select); coding-DNA position 368, C replaced by T.
Protein change: p.Pro123Leu; replaces proline 123 with leucine.
Molecular consequence: missense variant. On other transcripts: non-coding transcript variant (1), intron variant (3).
Genome position (GRCh38, 1-based): chr1:161,356,803, C>T. VCF-style: chr1-161356803-C-T. GRCh37 (hg19) VCF-style: chr1-161326593-C-T.
Other names: c.266C>T, p.Pro89Leu (NM_001035512.3); c.209C>T, p.Pro70Leu (NM_001035513.3); c.488C>T, p.Pro163Leu (NM_001407115.1); c.311C>T, p.Pro104Leu (NM_001407116.1); c.305C>T, p.Pro102Leu (NM_001407117.1); c.260C>T, p.Pro87Leu (NM_001407118.1); c.257C>T, p.Pro86Leu (NM_001407119.1, NM_001407120.1); c.242-5526C>T (NM_001035511.3); and 2 more; short protein forms P70L, P123L, P89L, P163L, P104L, P86L, P102L, P87L.
Identifiers: ClinVar variation 657667 (VCV000657667.9), dbSNP rs1571890413, ClinGen allele CA343456652.